The following is an entry in ClinVar:

ClinVar aggregate classification (germline): Uncertain significance. Review status: criteria provided, multiple submitters, no conflicts (2 of 4 stars). 2 submissions from 2 submitters: Uncertain significance (2). Last evaluated 2025-11-21.

Conditions:
Long QT syndrome (LQTS). Identifiers: MedGen C0023976, MeSH D008133, MONDO:0002442. Disease mechanism: loss of function. Inheritance: Various modes of inheritance.
Cardiovascular phenotype. Identifiers: MedGen CN230736.

Allele frequency attached by ClinVar (database versions not stated): gnomAD exomes below 0.00001 and 0.00004; TOPMed 0.00001; gnomAD 0.00002.
gnomAD v4.1: 58 of 1,614,074 alleles (0.0036%); highest among the groups gnomAD compares: Non-Finnish European, 0.0047%; no homozygotes.

Submissions (2):

Labcorp Genetics (formerly Invitae), Labcorp
Classification: Uncertain significance for Long QT syndrome. Last evaluated: 2025-11-21. Review status: criteria provided, single submitter. Criteria: Invitae Variant Classification Sherloc (09022015). Collection method: clinical testing. Allele origin: germline.
Comment: This sequence change replaces glycine, which is neutral and non-polar, with alanine, which is neutral and non-polar, at codon 3728 of the AKAP9 protein (p.Gly3728Ala). This variant is present in population databases (no rsID available, gnomAD 0.004%). This variant has not been reported in the literature in individuals affected with AKAP9-related conditions. ClinVar contains an entry for this variant (Variation ID: 1402543). An algorithm developed to predict the effect of missense changes on protein structure and function (PolyPhen-2) suggests that this variant is likely to be disruptive. In summary, the available evidence is currently insufficient to determine the role of this variant in disease. Therefore, it has been classified as a Variant of Uncertain Significance.

Ambry Genetics
Classification: Uncertain significance for Cardiovascular phenotype. Last evaluated: 2025-11-08. Review status: criteria provided, single submitter. Criteria: Ambry Variant Classification Scheme 2023. Collection method: clinical testing. Allele origin: germline.

NM_005751.5(AKAP9):c.11183G>C (p.Gly3728Ala)

Gene: AKAP9 (A-kinase anchoring protein 9; plus strand). Cytogenetic location: 7q21.2.
Variant type: single nucleotide variant.
Coding change: c.11183G>C on transcript NM_005751.5 (MANE Select); coding-DNA position 11183, G replaced by C.
Protein change: p.Gly3728Ala; replaces glycine 3728 with alanine.
Molecular consequence: missense variant.
Genome position (GRCh38, 1-based): chr7:92,102,679, G>C. VCF-style: chr7-92102679-G-C. GRCh37 (hg19) VCF-style: chr7-91731993-G-C.
Other names: c.5828G>C, p.Gly1943Ala (NM_001379277.1); c.11159G>C, p.Gly3720Ala (NM_147185.3); c.11183G>C (NM_005751.4); short protein forms G1943A, G3720A, G3728A.
Identifiers: ClinVar variation 1402543 (VCV001402543.9), dbSNP rs1363239151, ClinGen allele CA368162288.